The following is an entry in ClinVar:

ClinVar aggregate classification (germline): Likely benign. Review status: criteria provided, single submitter (1 of 4 stars). 2 submissions from 2 submitters: Likely benign (1). 1 of the submissions does not count toward it. Last evaluated 2021-02-26.

Conditions:
EP300-related disorder. Also called: EP300-related disorders; EP300-related condition.

gnomAD v4.1: 8 of 1,614,062 alleles (0.0005%); highest among the groups gnomAD compares: Admixed American, 0.0017%; no homozygotes.

Submissions (2):

Blueprint Genetics
Classification: Likely benign. Last evaluated: 2021-02-26. Review status: criteria provided, single submitter. Criteria: ACMG Guidelines, 2015. Collection method: clinical testing. Allele origin: germline.

PreventionGenetics, part of Exact Sciences
Classification: Likely benign for EP300-related condition. Last evaluated: 2022-05-04. Review status: no assertion criteria provided. Collection method: clinical testing. Allele origin: germline. Not counted in ClinVar's aggregate classification.
Comment: This variant is classified as likely benign based on ACMG/AMP sequence variant interpretation guidelines (Richards et al. 2015 PMID: 25741868, with internal and published modifications).

NM_001429.4(EP300):c.7215C>T (p.Asn2405=)

Gene: EP300 (EP300 lysine acetyltransferase; plus strand). Cytogenetic location: 22q13.2.
Variant type: single nucleotide variant.
Coding change: c.7215C>T on transcript NM_001429.4 (MANE Select); coding-DNA position 7215, C replaced by T.
Protein change: p.Asn2405=; no amino-acid change (asparagine 2405 retained).
Molecular consequence: synonymous variant.
Genome position (GRCh38, 1-based): chr22:41,178,926, C>T. VCF-style: chr22-41178926-C-T. GRCh37 (hg19) VCF-style: chr22-41574930-C-T.
Other names: c.7137C>T, p.Asn2379= (NM_001362843.2).
Identifiers: ClinVar variation 3350583 (VCV003350583.2).